The following is an entry in ClinVar:

NM_004130.4(GYG1):c.251T>C (p.Leu84Pro)

Gene: GYG1 (glycogenin 1; plus strand). Cytogenetic location: 3q24.
Variant type: single nucleotide variant.
Coding change: c.251T>C on transcript NM_004130.4 (MANE Select); coding-DNA position 251, T replaced by C.
Protein change: p.Leu84Pro; replaces leucine 84 with proline.
Molecular consequence: missense variant.
Genome position (GRCh38, 1-based): chr3:148,996,409, T>C. VCF-style: chr3-148996409-T-C. GRCh37 (hg19) VCF-style: chr3-148714196-T-C.
Other names: c.251T>C, p.Leu84Pro (NM_001184720.2, NM_001184721.2); short protein forms L84P.
Identifiers: ClinVar variation 2079553 (VCV002079553.4), dbSNP rs775590691, ClinGen allele CA2658499.
Genomic context (GRCh38, chr3:148,996,409, plus strand): 5'-TGGACAGTGGCGATTCTGCTCATCTAACCTTAATGAAGAGGCCAGAGTTGGGTGTCACGC[T>C]GACAAAGCTCCACTGCTGGTCGCTTACACAGTATTCAAAATGTGTATTCATGGATGCAGA-3'
Protein context (NP_004121.2, residues 74-94): LMKRPELGVT[Leu84Pro]TKLHCWSLTQ

ClinVar aggregate classification (germline): Uncertain significance. Review status: criteria provided, multiple submitters, no conflicts (2 of 4 stars). 3 submissions from 3 submitters: Uncertain significance (3). Last evaluated 2025-08-06.

Conditions:
Inborn genetic diseases. Identifiers: MedGen C0950123, MeSH D030342.
Polyglucosan body myopathy type 2. Identifiers: Orphanet 456369, MedGen C4015452, MONDO:0014526, OMIM 616199.
Glycogen storage disease XV (GSD15). Also called: GLYCOGENIN DEFICIENCY; GSD XV. Identifiers: Orphanet 263297, MedGen C3150754, MONDO:0013291, OMIM 613507.

Allele frequency attached by ClinVar (database versions not stated): gnomAD 0.00001; ExAC 0.00008; gnomAD exomes 0.00006.
gnomAD v4.1: 87 of 1,613,726 alleles (0.0054%); highest among the groups gnomAD compares: South Asian, 0.093%; 1 homozygote.

Submissions (3):

GeneDx
Classification: Uncertain significance. Last evaluated: 2025-08-06. Review status: criteria provided, single submitter. Criteria: GeneDx Variant Classification Process June 2021. Collection method: clinical testing. Allele origin: germline. Affected: yes.
Comment: In silico analysis supports that this missense variant has a deleterious effect on protein structure/function; Has not been previously published as pathogenic or benign to our knowledge

Ambry Genetics
Classification: Uncertain significance for Inborn genetic diseases. Last evaluated: 2024-05-08. Review status: criteria provided, single submitter. Criteria: Ambry Variant Classification Scheme 2023. Collection method: clinical testing. Allele origin: germline.

Labcorp Genetics (formerly Invitae), Labcorp
Classification: Uncertain significance for Polyglucosan body myopathy type 2; Glycogen storage disease XV. Last evaluated: 2022-06-01. Review status: criteria provided, single submitter. Criteria: Invitae Variant Classification Sherloc (09022015). Collection method: clinical testing. Allele origin: germline.
Comment: This sequence change replaces leucine, which is neutral and non-polar, with proline, which is neutral and non-polar, at codon 84 of the GYG1 protein (p.Leu84Pro). This variant is present in population databases (rs775590691, gnomAD 0.06%). This variant has not been reported in the literature in individuals affected with GYG1-related conditions. Algorithms developed to predict the effect of missense changes on protein structure and function (SIFT, PolyPhen-2, Align-GVGD) all suggest that this variant is likely to be disruptive. In summary, the available evidence is currently insufficient to determine the role of this variant in disease. Therefore, it has been classified as a Variant of Uncertain Significance.